The following is an entry in ClinVar:

NM_001365536.1(SCN9A):c.4360G>A (p.Gly1454Ser)

Genes: SCN1A-AS1 (SCN1A and SCN9A antisense RNA 1; plus strand), SCN9A (sodium voltage-gated channel alpha subunit 9; minus strand). Cytogenetic location: 2q24.3.
Variant type: single nucleotide variant.
Coding change: c.4360G>A on transcript NM_001365536.1 (MANE Select); coding-DNA position 4360, G replaced by A.
Protein change: p.Gly1454Ser; replaces glycine 1454 with serine.
Molecular consequence: missense variant.
Genome position (GRCh38, 1-based): chr2:166,226,605, C>T on the plus strand (G>A on the coding strand, the complement: SCN9A is on the minus strand). VCF-style: chr2-166226605-C-T. GRCh37 (hg19) VCF-style: chr2-167083115-C-T.
Other names: c.4327G>A, p.Gly1443Ser (NM_002977.4); short protein forms G1454S, G1443S.
Identifiers: ClinVar variation 2103002 (VCV002103002.4), dbSNP rs2468968624, ClinGen allele CA349061903.
Genomic context (GRCh38, chr2:166,226,605, plus strand): 5'-GAAAAATATTTGAAATACTTATCTTCTTTTTCTGTTGGTTGAAATTATCTATGATGACAC[C>T]AATGAACAAGTTCAAAGTGAAGAATGACCCAAAGATGATAAAGACGACAAAATAAATATA-3'
Protein context (NP_001352465.1, residues 1444-1464): GSFFTLNLFI[Gly1454Ser]VIIDNFNQQK

ClinVar aggregate classification (germline): Uncertain significance (1 of 4 stars; one submission).

Conditions:
Neuropathy, hereditary sensory and autonomic, type 2A (HSAN2A). Also called: WNK1-Related HSAN2 (HSAN2A); MORVAN DISEASE; HSAN IIA; NEUROPATHY, CONGENITAL SENSORY; NEUROPATHY, HEREDITARY SENSORY RADICULAR, AUTOSOMAL RECESSIVE; NEUROPATHY, HEREDITARY SENSORY, TYPE IIA. Identifiers: Orphanet 970, MedGen C2752089, MONDO:0024309, OMIM 201300.
Generalized epilepsy with febrile seizures plus, type 7 (GEFSP7). Also called: GEFS+, TYPE 7. Identifiers: Orphanet 36387, MedGen C2751778, MONDO:0013470, OMIM 613863.

Submission:

Labcorp Genetics (formerly Invitae), Labcorp
Classification: Uncertain significance for Neuropathy, hereditary sensory and autonomic, type 2A; Generalized epilepsy with febrile seizures plus, type 7. Last evaluated: 2022-02-24. Review status: criteria provided, single submitter. Criteria: Invitae Variant Classification Sherloc (09022015). Collection method: clinical testing. Allele origin: germline.
Comment: In summary, the available evidence is currently insufficient to determine the role of this variant in disease. Therefore, it has been classified as a Variant of Uncertain Significance. Algorithms developed to predict the effect of missense changes on protein structure and function are either unavailable or do not agree on the potential impact of this missense change (SIFT: "Deleterious"; PolyPhen-2: "Benign"; Align-GVGD: "Class C55"). This sequence change replaces glycine, which is neutral and non-polar, with serine, which is neutral and polar, at codon 1443 of the SCN9A protein (p.Gly1443Ser). This variant is not present in population databases (gnomAD no frequency). This variant has not been reported in the literature in individuals affected with SCN9A-related conditions.